The following is an entry in ClinVar:

NM_000203.5(IDUA):c.1525-11_1536del

Gene: IDUA (alpha-L-iduronidase; plus strand). Cytogenetic location: 4p16.3.
Variant type: Deletion.
Coding change: c.1525-11_1536del on transcript NM_000203.5 (MANE Select); 11 bases into the intron before coding-DNA position 1525 through coding-DNA position 1536, 23 bases deleted (ACTGCGCCCAGGACCCGGTGGCC).
Molecular consequence: splice acceptor variant.
Genome position (GRCh38, 1-based): chr4:1,003,334-1,003,356, ACTGCGCCCAGGACCCGGTGGCC deleted; deleting any 23 consecutive bases within chr4:1,003,330-1,003,356 gives the same sequence; the c. name uses the placement nearest the transcript's 3' end. VCF-style (leftmost placement, unchanged base first): chr4-1003329-CGGCCACTGCGCCCAGGACCCGGT-C. GRCh37 (hg19) VCF-style: chr4-997117-CGGCCACTGCGCCCAGGACCCGGT-C.
Other names: c.1129-11_1140del (NM_001363576.1); c.1525-11_1536del (NM_000203.4).
Identifiers: ClinVar variation 1066233 (VCV001066233.11), dbSNP rs1715233169, ClinGen allele CA1058439152.

ClinVar aggregate classification (germline): Pathogenic/Likely pathogenic. Review status: criteria provided, multiple submitters, no conflicts (2 of 4 stars). 3 submissions from 3 submitters: Pathogenic (1); Likely pathogenic (2). Last evaluated 2024-12-05.

Conditions:
Mucopolysaccharidosis type 1. Also called: IDUA deficiency; MPS I; Mucopolysaccharidosis Type I. Identifiers: Orphanet 579, MedGen C0023786, MONDO:0001586.

Submissions (3):

Natera, Inc.
Classification: Likely pathogenic for Mucopolysaccharidosis type I. Last evaluated: 2024-12-05. Review status: criteria provided, single submitter. Criteria: Natera Variant Classification Schema (03/2026). Collection method: clinical testing. Allele origin: germline.
Comment: The c.1525-11_1536del variant in IDUA is a deletion affecting a canonical splice acceptor site. This variant is expected to result in nonsense mediated decay, truncation, or a dysfunctional protein product. This variant is rare in the general population with a frequency below the threshold expected for the associated phenotype(s). Given the available evidence, this variant is classified as Likely Pathogenic.

Labcorp Genetics (formerly Invitae), Labcorp
Classification: Likely pathogenic for Mucopolysaccharidosis type 1. Last evaluated: 2023-02-14. Review status: criteria provided, single submitter. Criteria: Invitae Variant Classification Sherloc (09022015). Collection method: clinical testing. Allele origin: germline.
Comment: This variant results in the deletion of part of exon 11 (c.1525-11_1536del) of the IDUA gene. It is expected to disrupt RNA splicing. Variants that disrupt the donor or acceptor splice site typically lead to a loss of protein function (PMID: 16199547), and loss-of-function variants in IDUA are known to be pathogenic (PMID: 11735025, 21480867). This variant is not present in population databases (gnomAD no frequency). This variant has not been reported in the literature in individuals affected with IDUA-related conditions. ClinVar contains an entry for this variant (Variation ID: 1066233). Algorithms developed to predict the effect of sequence changes on RNA splicing suggest that this variant may disrupt the consensus splice site. In summary, the currently available evidence indicates that the variant is pathogenic, but additional data are needed to prove that conclusively. Therefore, this variant has been classified as Likely Pathogenic.

Revvity Omics, Revvity
Classification: Pathogenic. Last evaluated: 2020-04-01. Review status: criteria provided, single submitter. Criteria: ACMG Guidelines, 2015. Collection method: clinical testing. Allele origin: germline.

Literature cited by the submitters: PubMed 16199547 (cited by Labcorp Genetics (formerly Invitae), Labcorp); PubMed 11735025 (cited by Labcorp Genetics (formerly Invitae), Labcorp); PubMed 21480867 (cited by Labcorp Genetics (formerly Invitae), Labcorp).